The following is an entry in ClinVar:

ClinVar aggregate classification (germline): Likely benign. Review status: criteria provided, multiple submitters, no conflicts (2 of 4 stars). 5 submissions from 5 submitters: Likely benign (5). Last evaluated 2025-12-31.

Conditions:
Familial thoracic aortic aneurysm and aortic dissection (TAAD). Also called: Thoracic aortic aneurysms and dissections. Identifiers: Orphanet 91387, MedGen C4707243, MONDO:0019625.
Marfan syndrome (MFS). Also called: Marfan syndrome type 1; Marfan syndrome, classic; Marfan's syndrome; FBN1-Related Marfan Syndrome; MARFAN SYNDROME, TYPE I. Identifiers: Orphanet 284963, Orphanet 558, MedGen C0024796, MONDO:0007947, OMIM 154700.

Allele frequency attached by ClinVar (database versions not stated): TOPMed 0.00002; gnomAD exomes 0.00002; ESP Exome Variant Server 0.00008; ExAC 0.00002; gnomAD 0.00005.
gnomAD v4.1: 37 of 1,613,506 alleles (0.0023%); highest among the groups gnomAD compares: African/African-American, 0.008%; no homozygotes.

Submissions (5):

Labcorp Genetics (formerly Invitae), Labcorp
Classification: Likely benign for Marfan syndrome; Familial thoracic aortic aneurysm and aortic dissection. Last evaluated: 2025-12-31. Review status: criteria provided, single submitter. Criteria: Invitae Variant Classification Sherloc (09022015). Collection method: clinical testing. Allele origin: germline.

Blueprint Genetics
Classification: Likely benign. Last evaluated: 2024-04-30. Review status: criteria provided, single submitter. Criteria: ACMG Guidelines, 2015. Collection method: clinical testing. Allele origin: germline.

All of Us Research Program, National Institutes of Health
Classification: Likely benign for Marfan syndrome. Last evaluated: 2024-02-05. Review status: criteria provided, single submitter. Criteria: ACMG Guidelines, 2015. Collection method: clinical testing. Allele origin: germline. Inheritance: Autosomal dominant inheritance. Observed: 6 variant alleles, 6 heterozygotes.
Comment: This study involves interpretation of variants in research participants for the purpose of population health screening. Participant phenotype was not available at the time of variant classification. Additional details can be found in publication PMID: 35346344, PMCID: PMC8962531

Color Diagnostics, LLC DBA Color Health
Classification: Likely benign for Familial thoracic aortic aneurysm and aortic dissection. Last evaluated: 2020-12-01. Review status: criteria provided, single submitter. Criteria: ACMG Guidelines, 2015. Collection method: clinical testing. Allele origin: germline.

Ambry Genetics
Classification: Likely benign for Familial thoracic aortic aneurysm and aortic dissection. Last evaluated: 2016-08-11. Review status: criteria provided, single submitter. Criteria: Ambry Variant Classification Scheme 2023. Collection method: clinical testing. Allele origin: germline.

NM_000138.5(FBN1):c.6699C>T (p.Pro2233=)

Gene: FBN1 (fibrillin 1; minus strand). Cytogenetic location: 15q21.1.
Variant type: single nucleotide variant.
Coding change: c.6699C>T on transcript NM_000138.5 (MANE Select); coding-DNA position 6699, C replaced by T.
Protein change: p.Pro2233=; no amino-acid change (proline 2233 retained).
Molecular consequence: synonymous variant.
Genome position (GRCh38, 1-based): chr15:48,432,906, G>A on the plus strand (C>T on the coding strand, the complement: FBN1 is on the minus strand). VCF-style: chr15-48432906-G-A. GRCh37 (hg19) VCF-style: chr15-48725103-G-A.
Identifiers: ClinVar variation 519732 (VCV000519732.20), dbSNP rs372386014, ClinGen allele CA057225.
Genomic context (GRCh38, chr15:48,432,906, plus strand): 5'-CCTTGAACACGATGACTCACCTTTGCACATCCTACGGTCTTCTCTGAGCACATATCCCAC[G>A]GGACATTTGCATTCATATGACCCATAAGTGTTCACACATCGGAAGGCACAGAGCAGAGGA-3'
Protein context (NP_000129.3, residues 2223-2243): NTYGSYECKC[Pro2233=]VGYVLREDRR